The following is an entry in ClinVar:

NM_001330260.2(SCN8A):c.4438T>A (p.Phe1480Ile)

Gene: SCN8A (sodium voltage-gated channel alpha subunit 8; plus strand). Cytogenetic location: 12q13.13.
Variant type: single nucleotide variant.
Coding change: c.4438T>A on transcript NM_001330260.2 (MANE Select); coding-DNA position 4438, T replaced by A.
Protein change: p.Phe1480Ile; replaces phenylalanine 1480 with isoleucine.
Molecular consequence: missense variant.
Genome position (GRCh38, 1-based): chr12:51,790,416, T>A. VCF-style: chr12-51790416-T-A. GRCh37 (hg19) VCF-style: chr12-52184200-T-A.
Other names: c.4315T>A, p.Phe1439Ile (NM_001177984.3, NM_001369788.1); c.4438T>A, p.Phe1480Ile (NM_014191.4); short protein forms F1480I, F1439I.
Identifiers: ClinVar variation 391391 (VCV000391391.2), dbSNP rs796053218, ClinGen allele CA16606654.
Genomic context (GRCh38, chr12:51,790,416, plus strand): 5'-AGAGCCAGTTGTAATTGTCTGTTTTCTTCTTCCCTCCTTTACTTCGGAGGTCAGGACATC[T>A]TCATGACCGAAGAACAGAAGAAGTACTACAATGCCATGAAAAAGCTGGGCTCAAAGAAGC-3'
Protein context (NP_001317189.1, residues 1470-1490): QKKKFGGQDI[Phe1480Ile]MTEEQKKYYN

ClinVar aggregate classification (germline): Pathogenic (1 of 4 stars; one submission).

Submission:

GeneDx
Classification: Pathogenic. Last evaluated: 2016-12-21. Review status: criteria provided, single submitter. Criteria: GeneDx Variant Classification (06012015). Collection method: clinical testing. Allele origin: germline. Affected: yes.
Comment: The F1480I variant in the SCN8A gene has not been reported previously as a pathogenic variant noras a benign variant, to our knowledge. The F1480I variant was not observed in approximately 6500individuals of European and African American ancestry in the NHLBI Exome Sequencing Project,indicating it is not a common benign variant in these populations. The F1480I variant is anon-conservative amino acid substitution, which is likely to impact secondary protein structure asthese residues differ in polarity, charge, size and/or other properties. This substitution occurs withinthe loop between the third and fourth homologous domains at a position that is conserved acrossspecies. In silico analysis predicts this variant is probably damaging to the protein structure/function.We interpret F1480I as a pathogenic variant.